The following is an entry in ClinVar:

NM_001277115.2(DNAH11):c.13247A>T (p.Glu4416Val)

Gene: DNAH11 (dynein axonemal heavy chain 11; plus strand). Cytogenetic location: 7p15.3.
Variant type: single nucleotide variant.
Coding change: c.13247A>T on transcript NM_001277115.2 (MANE Select); coding-DNA position 13247, A replaced by T.
Protein change: p.Glu4416Val; replaces glutamic acid 4416 with valine.
Molecular consequence: missense variant.
Genome position (GRCh38, 1-based): chr7:21,900,064, A>T. VCF-style: chr7-21900064-A-T. GRCh37 (hg19) VCF-style: chr7-21939682-A-T.
Other names: short protein forms E4416V.
Identifiers: ClinVar variation 1407664 (VCV001407664.6), dbSNP rs2128052383, ClinGen allele CA366956141.
Genomic context (GRCh38, chr7:21,900,064, plus strand): 5'-AAAATGAGTGGCCCCTGGATAAAACGCGCTTGACTGCTGATGTTACCAAAAAAACAAAGG[A>T]AGATTATGGACACCCGCCAAGGGAAGGTGCATACCTCCACGGACTCTTCATGGAGGGTAA-3'
Protein context (NP_001264044.1, residues 4406-4426): LTADVTKKTK[Glu4416Val]DYGHPPREGA

ClinVar aggregate classification (germline): Uncertain significance (1 of 4 stars; one submission).

Conditions:
Primary ciliary dyskinesia. Also called: Ciliary dyskinesia. Identifiers: Orphanet 244, MedGen C0008780, MONDO:0016575, HP:0012265.

Submission:

Labcorp Genetics (formerly Invitae), Labcorp
Classification: Uncertain significance for Primary ciliary dyskinesia. Last evaluated: 2021-10-28. Review status: criteria provided, single submitter. Criteria: Invitae Variant Classification Sherloc (09022015). Collection method: clinical testing. Allele origin: germline.
Comment: In summary, the available evidence is currently insufficient to determine the role of this variant in disease. Therefore, it has been classified as a Variant of Uncertain Significance. Algorithms developed to predict the effect of sequence changes on RNA splicing suggest that this variant may create or strengthen a splice site. Advanced modeling of protein sequence and biophysical properties (such as structural, functional, and spatial information, amino acid conservation, physicochemical variation, residue mobility, and thermodynamic stability) performed at Invitae indicates that this missense variant is not expected to disrupt DNAH11 protein function. This variant has not been reported in the literature in individuals affected with DNAH11-related conditions. This variant is not present in population databases (gnomAD no frequency). This sequence change replaces glutamic acid, which is acidic and polar, with valine, which is neutral and non-polar, at codon 4416 of the DNAH11 protein (p.Glu4416Val).